The following is an entry in ClinVar:

NM_001005361.3(DNM2):c.2544-5T>G

Gene: DNM2 (dynamin 2; plus strand). Cytogenetic location: 19p13.2.
Variant type: single nucleotide variant.
Coding change: c.2544-5T>G on transcript NM_001005361.3 (MANE Select); 5 bases into the intron before coding-DNA position 2544, T replaced by G.
Molecular consequence: intron variant.
Genome position (GRCh38, 1-based): chr19:10,830,973, T>G. VCF-style: chr19-10830973-T-G. GRCh37 (hg19) VCF-style: chr19-10941649-T-G.
Other names: c.2544-5T>G (NM_001005360.3); c.2544-8T>G (NM_001190716.2); c.2532-5T>G (NM_004945.4, NM_001005362.3).
Identifiers: ClinVar variation 3718335 (VCV003718335.2).

ClinVar aggregate classification (germline): Uncertain significance (1 of 4 stars; one submission).

Conditions:
Charcot-Marie-Tooth disease dominant intermediate B (CMTDIB). Also called: CHARCOT-MARIE-TOOTH NEUROPATHY, DOMINANT INTERMEDIATE B; Charcot-Marie-Tooth disease dominant intermediate 1; CMT DI1; Charcot-Marie-Tooth disease dominant intermediate I. Identifiers: Orphanet 100044, Orphanet 228179, MedGen C1847902, MONDO:0011674, OMIM 606482.

gnomAD v4.1: 2 of 1,611,180 alleles (0.00012%); highest among the groups gnomAD compares: Non-Finnish European, 0.00017%; no homozygotes.

Submission:

Labcorp Genetics (formerly Invitae), Labcorp
Classification: Uncertain significance for Charcot-Marie-Tooth disease dominant intermediate B. Last evaluated: 2024-09-21. Review status: criteria provided, single submitter. Criteria: Invitae Variant Classification Sherloc (09022015). Collection method: clinical testing. Allele origin: germline.
Comment: This sequence change falls in intron 20 of the DNM2 gene. It does not directly change the encoded amino acid sequence of the DNM2 protein. This variant is not present in population databases (gnomAD no frequency). This variant has not been reported in the literature in individuals affected with DNM2-related conditions. Algorithms developed to predict the effect of sequence changes on RNA splicing suggest that this variant may disrupt the consensus splice site. In summary, the available evidence is currently insufficient to determine the role of this variant in disease. Therefore, it has been classified as a Variant of Uncertain Significance.